The following is an entry in ClinVar:

ClinVar aggregate classification (germline): Likely benign. Review status: criteria provided, multiple submitters, no conflicts (2 of 4 stars). 3 submissions from 3 submitters: Likely benign (2). 1 of the submissions does not count toward it. Last evaluated 2025-12-09.

Conditions:
Cardiovascular phenotype. Identifiers: MedGen CN230736.
GATAD1-related disorder. Also called: GATAD1-related condition.
Dilated cardiomyopathy 2B. Identifiers: Orphanet 154, MedGen C3553409, MONDO:0013848, OMIM 614672.

Allele frequency attached by ClinVar (database versions not stated): TOPMed below 0.00001; gnomAD 0.00001; gnomAD exomes 0.00002; ExAC 0.00076.
gnomAD v4.1: 33 of 1,409,846 alleles (0.0023%); highest among the groups gnomAD compares: South Asian, 0.046%; no homozygotes.

Submissions (3):

Labcorp Genetics (formerly Invitae), Labcorp
Classification: Likely benign for Dilated cardiomyopathy 2B. Last evaluated: 2025-12-09. Review status: criteria provided, single submitter. Criteria: Invitae Variant Classification Sherloc (09022015). Collection method: clinical testing. Allele origin: germline.

Ambry Genetics
Classification: Likely benign for Cardiovascular phenotype. Last evaluated: 2021-10-19. Review status: criteria provided, single submitter. Criteria: Ambry Variant Classification Scheme 2023. Collection method: clinical testing. Allele origin: germline.

PreventionGenetics, part of Exact Sciences
Classification: Likely benign for GATAD1-related condition. Last evaluated: 2019-04-15. Review status: no assertion criteria provided. Collection method: clinical testing. Allele origin: germline. Not counted in ClinVar's aggregate classification.
Comment: This variant is classified as likely benign based on ACMG/AMP sequence variant interpretation guidelines (Richards et al. 2015 PMID: 25741868, with internal and published modifications).

NM_021167.5(GATAD1):c.108G>A (p.Arg36=)

Genes: GATAD1 (GATA zinc finger domain containing 1; plus strand), LOC129998793 (ATAC-STARR-seq lymphoblastoid silent region 18371; plus strand). Cytogenetic location: 7q21.2.
Variant type: single nucleotide variant.
Coding change: c.108G>A on transcript NM_021167.5 (MANE Select); coding-DNA position 108, G replaced by A.
Protein change: p.Arg36=; no amino-acid change (arginine 36 retained).
Molecular consequence: synonymous variant. On other transcripts: non-coding transcript variant (1).
Genome position (GRCh38, 1-based): chr7:92,447,837, G>A. VCF-style: chr7-92447837-G-A. GRCh37 (hg19) VCF-style: chr7-92077151-G-A.
Other names: c.108G>A (NM_021167.4).
Identifiers: ClinVar variation 1788886 (VCV001788886.5), dbSNP rs752143717, ClinGen allele CA4340229.